The following is an entry in ClinVar:

ClinVar aggregate classification (germline): Conflicting classifications of pathogenicity. Review status: criteria provided, conflicting classifications (1 of 4 stars). 4 submissions from 4 submitters: Uncertain significance (2); Likely benign (2). Last evaluated 2026-05-12.

Conditions:
Familial thoracic aortic aneurysm and aortic dissection (TAAD). Also called: Thoracic aortic aneurysms and dissections. Identifiers: Orphanet 91387, MedGen C4707243, MONDO:0019625.
Congenital contractural arachnodactyly (CCA). Also called: BEALS SYNDROME; Beals-Hecht syndrome; Arthrogryposis, distal, type 9. Identifiers: Orphanet 115, MedGen C0220668, MONDO:0007363, OMIM 121050.

Allele frequency attached by ClinVar (database versions not stated): TOPMed 0.00003; gnomAD 0.00004.
gnomAD v4.1: 23 of 1,613,874 alleles (0.0014%); highest among the groups gnomAD compares: Non-Finnish European, 0.0019%; no homozygotes.

Submissions (4):

Ambry Genetics
Classification: Uncertain significance for Familial thoracic aortic aneurysm and aortic dissection. Last evaluated: 2026-05-12. Review status: criteria provided, single submitter. Criteria: Ambry Variant Classification Scheme 2023. Collection method: clinical testing. Allele origin: germline.
Comment: The p.D2893V variant (also known as c.8678A>T), located in coding exon 65 of the FBN2 gene, results from an A to T substitution at nucleotide position 8678. The aspartic acid at codon 2893 is replaced by valine, an amino acid with highly dissimilar properties. This amino acid position is not well conserved in available vertebrate species. In addition, the in silico prediction for this alteration is inconclusive. Based on the available evidence, the clinical significance of this variant remains unclear.

Labcorp Genetics (formerly Invitae), Labcorp
Classification: Likely benign for Congenital contractural arachnodactyly. Last evaluated: 2026-01-11. Review status: criteria provided, single submitter. Criteria: Invitae Variant Classification Sherloc (09022015). Collection method: clinical testing. Allele origin: germline.

CeGaT Center for Human Genetics Tuebingen
Classification: Likely benign. Last evaluated: 2025-02-01. Review status: criteria provided, single submitter. Criteria: CeGaT Center For Human Genetics Tuebingen Variant Classification Criteria Version 2. Collection method: clinical testing. Allele origin: germline. Affected: yes. Observed: 1 variant allele.
Comment: FBN2: BP4

GeneDx
Classification: Uncertain significance. Last evaluated: 2024-09-18. Review status: criteria provided, single submitter. Criteria: GeneDx Variant Classification Process June 2021. Collection method: clinical testing. Allele origin: germline. Affected: yes.
Comment: Not observed at significant frequency in large population cohorts (gnomAD); In silico analysis supports that this missense variant has a deleterious effect on protein structure/function; Does not occur within a calcium-binding-EGF-like domain (PMID: 19006240, 18767143); Has not been previously published as pathogenic or benign to our knowledge

NM_001999.4(FBN2):c.8678A>T (p.Asp2893Val)

Gene: FBN2 (fibrillin 2; minus strand). Cytogenetic location: 5q23.3.
Variant type: single nucleotide variant.
Coding change: c.8678A>T on transcript NM_001999.4 (MANE Select); coding-DNA position 8678, A replaced by T.
Protein change: p.Asp2893Val; replaces aspartic acid 2893 with valine.
Molecular consequence: missense variant.
Genome position (GRCh38, 1-based): chr5:128,259,516, T>A on the plus strand (A>T on the coding strand, the complement: FBN2 is on the minus strand). VCF-style: chr5-128259516-T-A. GRCh37 (hg19) VCF-style: chr5-127595208-T-A.
Other names: short protein forms D2893V.
Identifiers: ClinVar variation 213432 (VCV000213432.24), dbSNP rs863223615, ClinGen allele CA323303.